The following is an entry in ClinVar:

NM_021615.5(CHST6):c.13C>T (p.Arg5Cys)

Gene: CHST6 (carbohydrate sulfotransferase 6; minus strand). Cytogenetic location: 16q23.1.
Variant type: single nucleotide variant.
Coding change: c.13C>T on transcript NM_021615.5 (MANE Select); coding-DNA position 13, C replaced by T.
Protein change: p.Arg5Cys; replaces arginine 5 with cysteine.
Molecular consequence: missense variant.
Genome position (GRCh38, 1-based): chr16:75,479,816, G>A on the plus strand (C>T on the coding strand, the complement: CHST6 is on the minus strand). VCF-style: chr16-75479816-G-A. GRCh37 (hg19) VCF-style: chr16-75513714-G-A.
Other names: short protein forms R5C.
Identifiers: ClinVar variation 3366380 (VCV003366380.1).

ClinVar aggregate classification (germline): Uncertain significance (1 of 4 stars; one submission).

Submission:

Women's Health and Genetics/Laboratory Corporation of America, LabCorp
Classification: Uncertain significance. Last evaluated: 2024-08-08. Review status: criteria provided, single submitter. Criteria: LabCorp Variant Classification Summary - May 2015. Collection method: clinical testing. Allele origin: germline.
Comment: Variant summary: CHST6 c.13C>T (p.Arg5Cys) results in a non-conservative amino acid change in the encoded protein sequence. Four of five in-silico tools predict a damaging effect of the variant on protein function. The frequency data for this variant in gnomAD is considered unreliable, as metrics indicate poor data quality at this position. c.13C>T has been reported in the literature in a compound heterozygous individual affected with Macular Corneal Dystrophy (Dudakova_2014). These report(s) do not provide unequivocal conclusions about association of the variant with Macular Corneal Dystrophy. To our knowledge, no experimental evidence demonstrating an impact on protein function has been reported. The following publications have been ascertained in the context of this evaluation (PMID: 25081284, 33816482). No submitters have cited clinical-significance assessments for this variant to ClinVar. Based on the evidence outlined above, the variant was classified as uncertain significance.

Literature cited by the submitters: PubMed 33816482; PubMed 25081284.